The following is an entry in ClinVar:

ClinVar aggregate classification (germline): Uncertain significance (1 of 4 stars; one submission).

Conditions:
Joubert syndrome 30. Identifiers: MedGen C4539937, MONDO:0033308, OMIM 617622.

gnomAD v4.1: 2 of 1,610,050 alleles (0.00012%); highest among the groups gnomAD compares: Non-Finnish European, 0.00017%; no homozygotes.

Submission:

Genetics Laboratory, Department of Biology, Semnan University
Classification: Uncertain significance for Joubert syndrome 30. Last evaluated: 2022-08-23. Review status: criteria provided, single submitter. Criteria: ACMG Guidelines, 2015. Collection method: research. Allele origin: germline. Inheritance: Autosomal recessive inheritance. Affected: no. Observed: 1 variant allele, 1 heterozygote.
Comment: The identified variant leads to the substitution of Glycine 626 with Glutamic acid (G626E) in the ARMC9 protein. Hence, this substitution could alter the amino acid sequence and could leads to a decreased function of mutated protein.

Literature cited by the submitters: DOI 10.1016/j.ajhg.2017.05.010.

NM_001352754.2(ARMC9):c.1877G>A (p.Gly626Glu)

Gene: ARMC9 (armadillo repeat containing 9; plus strand). Cytogenetic location: 2q37.1.
Variant type: single nucleotide variant.
Coding change: c.1877G>A on transcript NM_001352754.2 (MANE Select); coding-DNA position 1877, G replaced by A.
Protein change: p.Gly626Glu; replaces glycine 626 with glutamic acid.
Molecular consequence: missense variant. On other transcripts: non-coding transcript variant (1), intron variant (1).
Genome position (GRCh38, 1-based): chr2:231,331,896, G>A. VCF-style: chr2-231331896-G-A. GRCh37 (hg19) VCF-style: chr2-232196608-G-A.
Other names: c.1877G>A, p.Gly626Glu (NM_001271466.4, NM_001291656.2, NM_001352755.2 and 2 more transcripts); c.1778G>A, p.Gly593Glu (NM_001352757.2, NM_001352758.2); c.1774-13079G>A (NM_001352759.2); short protein forms G593E, G626E.
Identifiers: ClinVar variation 4884771 (VCV004884771.1).